The following is an entry in ClinVar:

ClinVar aggregate classification (germline): Uncertain significance (1 of 4 stars; one submission).

Conditions:
Axenfeld-Rieger syndrome type 3 (RIEG3). Also called: AXENFELD-RIEGER ANOMALY WITH CARDIAC DEFECTS AND/OR SENSORINEURAL HEARING LOSS. Identifiers: Orphanet 782, MedGen C2678503, MONDO:0011233, OMIM 602482.

Submission:

Labcorp Genetics (formerly Invitae), Labcorp
Classification: Uncertain significance for Axenfeld-Rieger syndrome type 3. Last evaluated: 2025-03-13. Review status: criteria provided, single submitter. Criteria: Invitae Variant Classification Sherloc (09022015). Collection method: clinical testing. Allele origin: germline.
Comment: This sequence change replaces alanine, which is neutral and non-polar, with serine, which is neutral and polar, at codon 488 of the FOXC1 protein (p.Ala488Ser). This variant is not present in population databases (gnomAD no frequency). This variant has not been reported in the literature in individuals affected with FOXC1-related conditions. An algorithm developed to predict the effect of missense changes on protein structure and function (PolyPhen-2) suggests that this variant is likely to be disruptive. In summary, the available evidence is currently insufficient to determine the role of this variant in disease. Therefore, it has been classified as a Variant of Uncertain Significance.

NM_001453.3(FOXC1):c.1462G>T (p.Ala488Ser)

Gene: FOXC1 (forkhead box C1; plus strand). Cytogenetic location: 6p25.3.
Variant type: single nucleotide variant.
Coding change: c.1462G>T on transcript NM_001453.3 (MANE Select); coding-DNA position 1462, G replaced by T.
Protein change: p.Ala488Ser; replaces alanine 488 with serine.
Molecular consequence: missense variant.
Genome position (GRCh38, 1-based): chr6:1,611,907, G>T. VCF-style: chr6-1611907-G-T. GRCh37 (hg19) VCF-style: chr6-1612142-G-T.
Other names: short protein forms A488S.
Identifiers: ClinVar variation 4698830 (VCV004698830.1).
Genomic context (GRCh38, chr6:1,611,907, plus strand): 5'-GGCCGCCTCACCTCGTGGTACCTGAACCAGGCGGGCGGAGACCTGGGCCACTTGGCGAGC[G>T]CGGCGGCGGCGGCGGCGGCCGCAGGCTACCCGGGCCAGCAGCAGAACTTCCACTCGGTGC-3'
Protein context (NP_001444.2, residues 478-498): AGGDLGHLAS[Ala488Ser]AAAAAAAGYP